The following is an entry in ClinVar:

ClinVar aggregate classification (germline): Uncertain significance. Review status: criteria provided, multiple submitters, no conflicts (2 of 4 stars). 6 submissions from 6 submitters: Uncertain significance (6). Last evaluated 2025-09-24.

Conditions:
Hereditary cancer-predisposing syndrome. Also called: Tumor predisposition; Hereditary Cancer Syndrome; Hereditary neoplastic syndrome; Neoplastic Syndromes, Hereditary. Identifiers: Orphanet 140162, MedGen C0027672, MeSH D009386, MONDO:0015356.
Hereditary diffuse gastric adenocarcinoma (HDGC). Also called: DIFFUSE GASTRIC AND LOBULAR BREAST CANCER SYNDROME. Identifiers: Orphanet 26106, MedGen C1708349, MONDO:0007648, OMIM 137215.
Familial cancer of breast. Also called: hereditary breast carcinoma; BREAST CANCER, FAMILIAL; Hereditary breast cancer. Identifiers: Orphanet 227535, MedGen C0346153, MONDO:0016419, OMIM 114480. Disease mechanism: loss of function.

Allele frequency attached by ClinVar (database versions not stated): gnomAD exomes 0.00001; TOPMed 0.00002.
gnomAD v4.1: 3 of 1,614,112 alleles (0.00019%); highest among the groups gnomAD compares: Non-Finnish European, 0.00025%; no homozygotes.

Submissions (6):

Labcorp Genetics (formerly Invitae), Labcorp
Classification: Uncertain significance for Hereditary diffuse gastric adenocarcinoma. Last evaluated: 2025-09-24. Review status: criteria provided, single submitter. Criteria: Invitae Variant Classification Sherloc (09022015). Collection method: clinical testing. Allele origin: germline.
Comment: This sequence change replaces phenylalanine, which is neutral and non-polar, with valine, which is neutral and non-polar, at codon 626 of the CDH1 protein (p.Phe626Val). This variant is not present in population databases (gnomAD no frequency). This missense change has been observed in individual(s) with lobular breast cancer (PMID: 12800196). ClinVar contains an entry for this variant (Variation ID: 233729). An algorithm developed to predict the effect of missense changes on protein structure and function (PolyPhen-2) suggests that this variant is likely to be disruptive. In summary, the available evidence is currently insufficient to determine the role of this variant in disease. Therefore, it has been classified as a Variant of Uncertain Significance.

Color Diagnostics, LLC DBA Color Health
Classification: Uncertain significance for Hereditary cancer-predisposing syndrome. Last evaluated: 2025-05-20. Review status: criteria provided, single submitter. Criteria: ACMG Guidelines, 2015. Collection method: clinical testing. Allele origin: germline.
Comment: This missense variant replaces phenylalanine with valine at codon 626 of the CDH1 protein. To our knowledge, functional studies have not been reported for this variant. This variant has been reported in an individuals affected with lobular breast cancer in the literature (PMID 12800196). This variant has not been identified in the general population by the Genome Aggregation Database (gnomAD). The available evidence is insufficient to determine the role of this variant in disease conclusively. Therefore, this variant is classified as a Variant of Uncertain Significance.

Center for Genomic Medicine, Rigshospitalet, Copenhagen University Hospital
Classification: Uncertain significance. Last evaluated: 2025-03-04. Review status: criteria provided, single submitter. Criteria: ACMG Guidelines, 2015. Collection method: clinical testing. Allele origin: germline.

Ambry Genetics
Classification: Uncertain significance for Hereditary cancer-predisposing syndrome. Last evaluated: 2024-12-20. Review status: criteria provided, single submitter. Criteria: Ambry Variant Classification Scheme 2023. Collection method: clinical testing. Allele origin: germline.
Comment: The p.F626V variant (also known as c.1876T>G), located in coding exon 12 of the CDH1 gene, results from a T to G substitution at nucleotide position 1876. The phenylalanine at codon 626 is replaced by valine, an amino acid with highly similar properties. In one study, this variant was reported in both an infiltrating lobular breast tumor and normal tissue from one patient (Sarri&oacute; D et al. Int. J. Cancer 2003 Aug; 106(2):208-15). This variant has also been reported in breast and pancreatic cancer cohorts (Garcia-Pelaez J et al. Lancet Oncol, 2023 Jan;24:91-106; Dumont M et al. Cancers (Basel), 2022 Jul;14:; Rodrigues LM et al. Sci Rep, 2024 Sep;14:21083). This amino acid position is well conserved in available vertebrate species. In addition, the in silico prediction for this alteration is inconclusive. Based on the available evidence, the clinical significance of this variant remains unclear.

Baylor Genetics
Classification: Uncertain significance for Familial cancer of breast. Last evaluated: 2024-03-03. Review status: criteria provided, single submitter. Criteria: ACMG Guidelines, 2015. Collection method: clinical testing. Allele origin: unknown.

European Reference Network on Genetic Tumour Risk Syndromes (ERN-GENTURIS), i3s - Instituto de Investigação e Inovação em Saúde, University of Porto
Classification: Uncertain significance for Hereditary diffuse gastric adenocarcinoma. Last evaluated: 2022-08-01. Review status: criteria provided, single submitter. Criteria: Lee et al. (Hum Mutat. 2018). Collection method: clinical testing. Allele origin: germline. Inheritance: Autosomal dominant inheritance. Affected: no. Study: ERN GENTURIS.
Comment: PM2; BP2_Supporting (PMID: 30311375)

Literature cited by the submitters: PubMed 12800196 (cited by 4 submitters); PubMed 35884425 (cited by Ambry Genetics); PubMed 36436516 (cited by Ambry Genetics and European Reference Network on Genetic Tumour Risk Syndromes (ERN-GENTURIS), i3s - Instituto de Investigação e Inovação em Saúde, University of Porto); PubMed 39256447 (cited by Ambry Genetics).

NM_004360.5(CDH1):c.1876T>G (p.Phe626Val)

Gene: CDH1 (cadherin 1; plus strand). Cytogenetic location: 16q22.1.
Variant type: single nucleotide variant.
Coding change: c.1876T>G on transcript NM_004360.5 (MANE Select); coding-DNA position 1876, T replaced by G.
Protein change: p.Phe626Val; replaces phenylalanine 626 with valine.
Molecular consequence: missense variant. On other transcripts: 5 prime UTR variant (1).
Genome position (GRCh38, 1-based): chr16:68,822,165, T>G. VCF-style: chr16-68822165-T-G. GRCh37 (hg19) VCF-style: chr16-68856068-T-G.
Other names: c.1876T>G (LRG_301t1); c.1693T>G, p.Phe565Val (NM_001317184.2); c.328T>G, p.Phe110Val (NM_001317185.2); c.-90T>G (NM_001317186.2); short protein forms F626V, F110V, F565V.
Identifiers: ClinVar variation 233729 (VCV000233729.21), dbSNP rs876660603, ClinGen allele CA10580136.